The following is an entry in ClinVar:

NM_000550.3(TYRP1):c.300C>G (p.His100Gln)

Gene: TYRP1 (tyrosinase related protein 1; plus strand). Cytogenetic location: 9p23.
Variant type: single nucleotide variant.
Coding change: c.300C>G on transcript NM_000550.3 (MANE Select); coding-DNA position 300, C replaced by G.
Protein change: p.His100Gln; replaces histidine 100 with glutamine.
Molecular consequence: missense variant.
Genome position (GRCh38, 1-based): chr9:12,694,296, C>G. VCF-style: chr9-12694296-C-G. GRCh37 (hg19) VCF-style: chr9-12694296-C-G.
Other names: short protein forms H100Q.
Identifiers: ClinVar variation 1470198 (VCV001470198.6), dbSNP rs1316509544, ClinGen allele CA372936769.

ClinVar aggregate classification (germline): Uncertain significance (1 of 4 stars; one submission).

Allele frequency attached by ClinVar (database versions not stated): gnomAD exomes below 0.00001.
gnomAD v4.1: 1 of 1,614,004 alleles (0.000062%); highest among the groups gnomAD compares: Non-Finnish European, 0.000085%; no homozygotes.

Submission:

Labcorp Genetics (formerly Invitae), Labcorp
Classification: Uncertain significance. Last evaluated: 2021-09-05. Review status: criteria provided, single submitter. Criteria: Invitae Variant Classification Sherloc (09022015). Collection method: clinical testing. Allele origin: germline.
Comment: This sequence change replaces histidine with glutamine at codon 100 of the TYRP1 protein (p.His100Gln). The histidine residue is weakly conserved and there is a small physicochemical difference between histidine and glutamine. This variant is not present in population databases (ExAC no frequency). This variant has not been reported in the literature in individuals affected with TYRP1-related conditions. Algorithms developed to predict the effect of missense changes on protein structure and function output the following: SIFT: "Tolerated"; PolyPhen-2: "Benign"; Align-GVGD: "Class C0". The glutamine amino acid residue is found in multiple mammalian species, which suggests that this missense change does not adversely affect protein function. In summary, the available evidence is currently insufficient to determine the role of this variant in disease. Therefore, it has been classified as a Variant of Uncertain Significance.